The following is an entry in ClinVar:

ClinVar aggregate classification (germline): Uncertain significance (1 of 4 stars; one submission).

Conditions:
Neurodevelopmental disorder with or without autism or seizures (NEDAUS). Identifiers: MedGen C5543225, MONDO:0030994, OMIM 619239.
Pseudohypoaldosteronism type 2E (PHA2E). Also called: Pseudohypoaldosteronism Type IIE. Identifiers: Orphanet 300530, Orphanet 757, MedGen C3469606, MONDO:0013782, OMIM 614496.

gnomAD v4.1: 4 of 1,431,784 alleles (0.00028%); highest among the groups gnomAD compares: East Asian, 0.012%; no homozygotes.

Submission:

Juno Genomics, Hangzhou Juno Genomics, Inc
Classification: Uncertain significance for Neurodevelopmental disorder with or without autism or seizures; Pseudohypoaldosteronism type 2E. Review status: criteria provided, single submitter. Criteria: ACMG Guidelines, 2015. Collection method: clinical testing. Allele origin: germline.
Comment: Absent from controls (or at extremely low frequency if recessive) in Genome Aggregation Database.;Missense variant in a gene that has a low rate of benign missense variation.

NM_003590.5(CUL3):c.105C>A (p.Asp35Glu)

Gene: CUL3 (cullin 3; minus strand). Cytogenetic location: 2q36.2.
Variant type: single nucleotide variant.
Coding change: c.105C>A on transcript NM_003590.5 (MANE Select); coding-DNA position 105, C replaced by A.
Protein change: p.Asp35Glu; replaces aspartic acid 35 with glutamic acid.
Molecular consequence: missense variant. On other transcripts: intron variant (1).
Genome position (GRCh38, 1-based): chr2:224,557,818, G>T on the plus strand (C>A on the coding strand, the complement: CUL3 is on the minus strand). VCF-style: chr2-224557818-G-T. GRCh37 (hg19) VCF-style: chr2-225422535-G-T.
Other names: c.123C>A, p.Asp41Glu (NM_001257198.2); c.67-22177C>A (NM_001257197.2); short protein forms D35E, D41E.
Identifiers: ClinVar variation 5019186 (VCV005019186.2).